The following is an entry in ClinVar:

NM_001099289.3(SH3RF3):c.1924C>A (p.Leu642Ile)

Genes: RANBP2 (RAN binding protein 2; plus strand), SH3RF3 (SH3 domain containing ring finger 3; plus strand). Cytogenetic location: 2q13.
Variant type: single nucleotide variant.
Coding change: c.1924C>A on transcript NM_001099289.3 (MANE Select); coding-DNA position 1924, C replaced by A.
Protein change: p.Leu642Ile; replaces leucine 642 with isoleucine.
Molecular consequence: missense variant.
Genome position (GRCh38, 1-based): chr2:109,449,265, C>A. VCF-style: chr2-109449265-C-A. GRCh37 (hg19) VCF-style: chr2-110065721-C-A.
Other names: short protein forms L642I.
Identifiers: ClinVar variation 2407866 (VCV002407866.2), dbSNP rs753981480, ClinGen allele CA1825796.

ClinVar aggregate classification (germline): Uncertain significance (1 of 4 stars; one submission).

Allele frequency attached by ClinVar (database versions not stated): ExAC 0.00001.
gnomAD v4.1: 12 of 1,612,466 alleles (0.00074%); highest among the groups gnomAD compares: Non-Finnish European, 0.001%; no homozygotes.

Submission:

Ambry Genetics
Classification: Uncertain significance. Last evaluated: 2022-10-05. Review status: criteria provided, single submitter. Criteria: Ambry Variant Classification Scheme 2023. Collection method: clinical testing. Allele origin: germline.
Comment: The c.1924C>A (p.L642I) alteration is located in exon (coding exon ) of the SH3RF3 gene. This alteration results from a C to A substitution at nucleotide position 1924, causing the leucine (L) at amino acid position 642 to be replaced by an isoleucine (I). Based on insufficient or conflicting evidence, the clinical significance of this alteration remains unclear.